The following is an entry in ClinVar:

ClinVar aggregate classification (germline): Conflicting classifications of pathogenicity. Review status: criteria provided, conflicting classifications (1 of 4 stars). 3 submissions from 3 submitters: Uncertain significance (2); Likely benign (1). Last evaluated 2025-11-09.

Conditions:
Hereditary cancer-predisposing syndrome. Also called: Tumor predisposition; Hereditary Cancer Syndrome; Neoplastic Syndromes, Hereditary; Hereditary neoplastic syndrome. Identifiers: Orphanet 140162, MedGen C0027672, MeSH D009386, MONDO:0015356.
Hereditary breast ovarian cancer syndrome. Also called: BRCA1- and BRCA2-Associated Hereditary Breast and Ovarian Cancer; Hereditary breast and ovarian cancer syndrome; Hereditary breast and ovarian cancer; Hereditary breast and ovarian cancer syndrome (HBOC); Hereditary breast and/or ovarian cancer syndrome; Breast and ovarian cancer. Identifiers: Orphanet 145, MedGen C0677776, MeSH D061325, MONDO:0003582. Disease mechanism: loss of function.

Submissions (3):

Labcorp Genetics (formerly Invitae), Labcorp
Classification: Uncertain significance for Hereditary breast ovarian cancer syndrome. Last evaluated: 2025-11-09. Review status: criteria provided, single submitter. Criteria: Invitae Variant Classification Sherloc (09022015). Collection method: clinical testing. Allele origin: germline.
Comment: This sequence change replaces isoleucine, which is neutral and non-polar, with valine, which is neutral and non-polar, at codon 1977 of the BRCA2 protein (p.Ile1977Val). This variant is not present in population databases (gnomAD no frequency). This variant has not been reported in the literature in individuals affected with BRCA2-related conditions. ClinVar contains an entry for this variant (Variation ID: 627867). Invitae Evidence Modeling of protein sequence and biophysical properties (such as structural, functional, and spatial information, amino acid conservation, physicochemical variation, residue mobility, and thermodynamic stability) indicates that this missense variant is not expected to disrupt BRCA2 protein function with a negative predictive value of 95%. In summary, the available evidence is currently insufficient to determine the role of this variant in disease. Therefore, it has been classified as a Variant of Uncertain Significance.

University of Washington Department of Laboratory Medicine, University of Washington
Classification: Likely benign for Hereditary cancer-predisposing syndrome. Last evaluated: 2023-03-23. Review status: criteria provided, single submitter. Criteria: Dines et al. (Genet Med. 2020). Collection method: curation. Allele origin: germline.
Comment: Missense variant in a coldspot region where missense variants are very unlikely to be pathogenic (PMID:31911673).

BRCA2 exon 11 coldspot. Reclassification based on statistical prior probability.

Color Diagnostics, LLC DBA Color Health
Classification: Uncertain significance for Hereditary cancer-predisposing syndrome. Last evaluated: 2019-04-19. Review status: criteria provided, single submitter. Criteria: ACMG Guidelines, 2015. Collection method: clinical testing. Allele origin: germline.

NM_000059.4(BRCA2):c.5929A>G (p.Ile1977Val)

Gene: BRCA2 (BRCA2 DNA repair associated; plus strand). Cytogenetic location: 13q13.1.
Variant type: single nucleotide variant.
Coding change: c.5929A>G on transcript NM_000059.4 (MANE Select); coding-DNA position 5929, A replaced by G.
Protein change: p.Ile1977Val; replaces isoleucine 1977 with valine.
Molecular consequence: missense variant.
Genome position (GRCh38, 1-based): chr13:32,340,284, A>G. VCF-style: chr13-32340284-A-G. GRCh37 (hg19) VCF-style: chr13-32914421-A-G.
Other names: short protein forms I1977V.
Identifiers: ClinVar variation 627867 (VCV000627867.6), dbSNP rs1566233568, ClinGen allele CA387787545.